The following is an entry in ClinVar:

ClinVar aggregate classification (germline): Uncertain significance (1 of 4 stars; one submission).

Conditions:
Hereditary cancer-predisposing syndrome. Also called: Neoplastic Syndromes, Hereditary; Hereditary Cancer Syndrome; Tumor predisposition; Hereditary neoplastic syndrome. Identifiers: Orphanet 140162, MedGen C0027672, MeSH D009386, MONDO:0015356.

Allele frequency attached by ClinVar (database versions not stated): ExAC 0.00001.

Submission:

Ambry Genetics
Classification: Uncertain significance for Hereditary cancer-predisposing syndrome. Last evaluated: 2023-01-18. Review status: criteria provided, single submitter. Criteria: Ambry Variant Classification Scheme 2023. Collection method: clinical testing. Allele origin: germline.
Comment: The p.D504G variant (also known as c.1511A>G), located in coding exon 10 of the CTNNA1 gene, results from an A to G substitution at nucleotide position 1511. The aspartic acid at codon 504 is replaced by glycine, an amino acid with similar properties. This amino acid position is conserved. In addition, this alteration is predicted to be deleterious by in silico analysis. Since supporting evidence is limited at this time, the clinical significance of this alteration remains unclear.

NM_001903.5(CTNNA1):c.1511A>G (p.Asp504Gly)

Gene: CTNNA1 (catenin alpha 1; plus strand). Cytogenetic location: 5q31.2.
Variant type: single nucleotide variant.
Coding change: c.1511A>G on transcript NM_001903.5 (MANE Select); coding-DNA position 1511, A replaced by G.
Protein change: p.Asp504Gly; replaces aspartic acid 504 with glycine.
Molecular consequence: missense variant.
Genome position (GRCh38, 1-based): chr5:138,917,863, A>G. VCF-style: chr5-138917863-A-G. GRCh37 (hg19) VCF-style: chr5-138253552-A-G.
Other names: c.1511A>G, p.Asp504Gly (NM_001290307.3, NM_001323982.2, NM_001323983.1 and 2 more transcripts); c.1202A>G, p.Asp401Gly (NM_001290309.3); c.1142A>G, p.Asp381Gly (NM_001290310.3); c.401A>G, p.Asp134Gly (NM_001290312.1, NM_001323987.1, NM_001323988.1 and 17 more transcripts); c.1418A>G, p.Asp473Gly (NM_001323986.2); c.62A>G, p.Asp21Gly (NM_001324006.1, NM_001324007.1, NM_001324008.1 and 2 more transcripts); c.308A>G, p.Asp103Gly (NM_001324011.1); c.158A>G, p.Asp53Gly (NM_001324012.1, NM_001324013.1); short protein forms D134G, D473G, D504G, D53G, D103G, D401G, D381G, D21G.
Identifiers: ClinVar variation 2448343 (VCV002448343.2), dbSNP rs746486077, ClinGen allele CA3431965.
Genomic context (GRCh38, chr5:138,917,863, plus strand): 5'-TGGATCTTTTTAAAGAACAATGGGAAAAACAAGTCCGTGTTCTCACAGATGCTGTCGATG[A>G]CATTACTTCCATTGATGACTTCTTGGCTGTCTCAGGTAATGAGCTGGTTCCCCAGAGAAG-3'
Protein context (NP_001894.2, residues 494-514): QVRVLTDAVD[Asp504Gly]ITSIDDFLAV